The following is an entry in ClinVar:

ClinVar aggregate classification (germline): Uncertain significance (1 of 4 stars; one submission).

Conditions:
Amyotrophic lateral sclerosis type 8 (ALS8). Identifiers: Orphanet 803, MedGen C1837728, MONDO:0012077, OMIM 608627.
Adult-onset proximal spinal muscular atrophy, autosomal dominant. Also called: Spinal muscular atrophy, late-onset, finkel type; FINKEL LATE-ADULT TYPE SMA. Identifiers: Orphanet 209335, MedGen C1854058, MONDO:0008453, OMIM 182980.

Allele frequency attached by ClinVar (database versions not stated): TOPMed below 0.00001; ExAC 0.00001; ESP Exome Variant Server 0.00008.

Submission:

Labcorp Genetics (formerly Invitae), Labcorp
Classification: Uncertain significance for Adult-onset proximal spinal muscular atrophy, autosomal dominant; Amyotrophic lateral sclerosis type 8. Last evaluated: 2022-07-23. Review status: criteria provided, single submitter. Criteria: Invitae Variant Classification Sherloc (09022015). Collection method: clinical testing. Allele origin: germline.
Comment: In summary, the available evidence is currently insufficient to determine the role of this variant in disease. Therefore, it has been classified as a Variant of Uncertain Significance. Algorithms developed to predict the effect of missense changes on protein structure and function are either unavailable or do not agree on the potential impact of this missense change (SIFT: "Not Available"; PolyPhen-2: "Benign"; Align-GVGD: "Not Available"). This variant has not been reported in the literature in individuals affected with VAPB-related conditions. This variant is present in population databases (rs376628127, gnomAD 0.007%). This sequence change replaces aspartic acid, which is acidic and polar, with histidine, which is basic and polar, at codon 37 of the VAPB protein (p.Asp37His).

NM_004738.5(VAPB):c.109G>C (p.Asp37His)

Gene: VAPB (VAMP associated protein B and C; plus strand). Cytogenetic location: 20q13.32.
Variant type: single nucleotide variant.
Coding change: c.109G>C on transcript NM_004738.5 (MANE Select); coding-DNA position 109, G replaced by C.
Protein change: p.Asp37His; replaces aspartic acid 37 with histidine.
Molecular consequence: missense variant. On other transcripts: non-coding transcript variant (1).
Genome position (GRCh38, 1-based): chr20:58,418,261, G>C. VCF-style: chr20-58418261-G-C. GRCh37 (hg19) VCF-style: chr20-56993317-G-C.
Other names: c.109G>C, p.Asp37His (NM_001195677.2); short protein forms D37H.
Identifiers: ClinVar variation 1713640 (VCV001713640.5), dbSNP rs376628127, ClinGen allele CA9924172.